The following is an entry in ClinVar:

NM_001754.5(RUNX1):c.1028C>G (p.Ser343Cys)

Gene: RUNX1 (RUNX family transcription factor 1; minus strand). Cytogenetic location: 21q22.12.
Variant type: single nucleotide variant.
Coding change: c.1028C>G on transcript NM_001754.5 (MANE Select); coding-DNA position 1028, C replaced by G.
Protein change: p.Ser343Cys; replaces serine 343 with cysteine.
Molecular consequence: missense variant.
Genome position (GRCh38, 1-based): chr21:34,792,550, G>C on the plus strand (C>G on the coding strand, the complement: RUNX1 is on the minus strand). VCF-style: chr21-34792550-G-C. GRCh37 (hg19) VCF-style: chr21-36164847-G-C.
Other names: c.947C>G, p.Ser316Cys (NM_001001890.3); short protein forms S343C, S316C.
Identifiers: ClinVar variation 4158207 (VCV004158207.1).
Genomic context (GRCh38, chr21:34,792,550, plus strand): 5'-CCCGAGGTGACCGGCGTCGGGGAGTAGGTGAAGGCGCCTGGATAGTGCATGCGGGGGTCG[G>C]AGATGGAGGGCAGCGCGGGGAACTGGCGCGGGTCGCTGAACGCTGTCAGGTCGGGTGCCG-3'
Protein context (NP_001745.2, residues 333-353): PRQFPALPSI[Ser343Cys]DPRMHYPGAF

ClinVar aggregate classification (germline): Uncertain significance (1 of 4 stars; one submission).

Conditions:
Inborn genetic diseases. Identifiers: MedGen C0950123, MeSH D030342.

Submission:

Ambry Genetics
Classification: Uncertain significance for Inborn genetic diseases. Last evaluated: 2025-07-29. Review status: criteria provided, single submitter. Criteria: Ambry Variant Classification Scheme 2023. Collection method: clinical testing. Allele origin: germline.
Comment: The p.S343C variant (also known as c.1028C>G), located in coding exon 8 of the RUNX1 gene, results from a C to G substitution at nucleotide position 1028. The serine at codon 343 is replaced by cysteine, an amino acid with dissimilar properties. This amino acid position is highly conserved in available vertebrate species. In addition, this alteration is predicted to be deleterious by in silico analysis. Based on the available evidence, the clinical significance of this variant remains unclear.